The following is an entry in ClinVar:

NM_213599.3(ANO5):c.2172_2178del (p.Ala724_His725insTer)

Gene: ANO5 (anoctamin 5; plus strand). Cytogenetic location: 11p14.3.
Variant type: Deletion.
Coding change: c.2172_2178del on transcript NM_213599.3 (MANE Select); coding-DNA positions 2172 to 2178, 7 bases deleted (TCATAGC; older notation c.2172_2178delTCATAGC).
Protein change: p.Ala724_His725insTer.
Molecular consequence: frameshift variant.
Genome position (GRCh38, 1-based): chr11:22,272,926-22,272,932, TCATAGC deleted; deleting any 7 consecutive bases within chr11:22,272,923-22,272,932 gives the same sequence; the c. name uses the placement nearest the transcript's 3' end. VCF-style (leftmost placement, unchanged base first): chr11-22272922-AAGCTCAT-A. GRCh37 (hg19) VCF-style: chr11-22294468-AAGCTCAT-A.
Other names: c.2169_2175del, p.Ala723_His724insTer (NM_001142649.2).
Identifiers: ClinVar variation 195002 (VCV000195002.12), dbSNP rs794727231, ClinGen allele CA201498.
Genomic context (GRCh38, chr11:22,272,922, plus strand): 5'-TAGAGATTCGAGTGGATGCCTGGAAACTTACCACTCAATACAGGAGAACTGTAGCTTCTA[AAGCTCAT>A]AGCATAGGTGTTTGGCAAGACATTCTTTATGGAATGGCTGTCCTTTCTGTTGCAACTAAT-3'

ClinVar aggregate classification (germline): Pathogenic. Review status: criteria provided, multiple submitters, no conflicts (2 of 4 stars). 2 submissions from 2 submitters: Pathogenic (2). Last evaluated 2024-11-21.

Conditions:
Autosomal recessive limb-girdle muscular dystrophy type 2L (LGMDR12). Also called: MUSCULAR DYSTROPHY, LIMB-GIRDLE, AUTOSOMAL RECESSIVE 12; Limb-Girdle Muscular Dystrophy R12 Anoctamin-5-Related (LGMD-R12); Limb-girdle muscular dystrophy, type 2L. Identifiers: Orphanet 206549, MedGen C1969785, MONDO:0012652, OMIM 611307.
Gnathodiaphyseal dysplasia (GDD). Also called: GNATHODIAPHYSEAL SCLEROSIS; OSTEOGENESIS IMPERFECTA WITH UNUSUAL SKELETAL LESIONS. Identifiers: Orphanet 53697, MedGen C1833736, MONDO:0008151, OMIM 166260.

Submissions (2):

Labcorp Genetics (formerly Invitae), Labcorp
Classification: Pathogenic for Autosomal recessive limb-girdle muscular dystrophy type 2L; Gnathodiaphyseal dysplasia. Last evaluated: 2024-11-21. Review status: criteria provided, single submitter. Criteria: Invitae Variant Classification Sherloc (09022015). Collection method: clinical testing. Allele origin: germline.
Comment: This sequence change creates a premature translational stop signal (p.His725*) in the ANO5 gene. It is expected to result in an absent or disrupted protein product. Loss-of-function variants in ANO5 are known to be pathogenic (PMID: 21186264, 23606453, 25891276, 30919934). This variant is present in population databases (rs771850164, gnomAD 0.002%). This premature translational stop signal has been observed in individual(s) with clinical features of ANO5-related conditions (PMID: 31127727). ClinVar contains an entry for this variant (Variation ID: 195002). For these reasons, this variant has been classified as Pathogenic.

Eurofins Ntd Llc (ga)
Classification: Pathogenic. Last evaluated: 2015-06-03. Review status: criteria provided, single submitter. Criteria: EGL Classification Definitions 2015. Collection method: clinical testing. Allele origin: germline. Observed: 1 variant allele, 1 heterozygote.

Literature cited by the submitters: PubMed 21186264 (cited by Labcorp Genetics (formerly Invitae), Labcorp); PubMed 23606453 (cited by Labcorp Genetics (formerly Invitae), Labcorp); PubMed 25891276 (cited by Labcorp Genetics (formerly Invitae), Labcorp); PubMed 30919934 (cited by Labcorp Genetics (formerly Invitae), Labcorp); PubMed 31127727 (cited by Labcorp Genetics (formerly Invitae), Labcorp).